The following is an entry in ClinVar:

NM_012424.6(RPS6KC1):c.300A>C (p.Gln100His)

Gene: RPS6KC1 (ribosomal protein S6 kinase C1; plus strand). Cytogenetic location: 1q32.3.
Variant type: single nucleotide variant.
Coding change: c.300A>C on transcript NM_012424.6 (MANE Select); coding-DNA position 300, A replaced by C.
Protein change: p.Gln100His; replaces glutamine 100 with histidine.
Molecular consequence: missense variant. On other transcripts: 5 prime UTR variant (27), non-coding transcript variant (4).
Genome position (GRCh38, 1-based): chr1:213,104,491, A>C. VCF-style: chr1-213104491-A-C. GRCh37 (hg19) VCF-style: chr1-213277833-A-C.
Other names: c.-993A>C (NM_001349669.2, NM_001349668.2); c.-822A>C (NM_001349670.2, NM_001349664.2); c.-821A>C (NM_001349671.2); c.-915A>C (NM_001349672.2, NM_001287220.3, NM_001349666.2 and 1 more transcripts); c.264A>C, p.Gln88His (NM_001136138.4); c.-322A>C (NM_001287218.3, NM_001349650.2, NM_001349653.2 and 1 more transcripts); c.-244A>C (NM_001287219.3, NM_001287221.3, NM_001349648.2 and 1 more transcripts); c.300A>C, p.Gln100His (NM_001349646.2, NM_001349647.2); and 9 more; short protein forms Q100H, Q88H.
Identifiers: ClinVar variation 3655219 (VCV003655219.2).

ClinVar aggregate classification (germline): Uncertain significance (1 of 4 stars; one submission).

Submission:

Labcorp Genetics (formerly Invitae), Labcorp
Classification: Uncertain significance. Last evaluated: 2024-06-01. Review status: criteria provided, single submitter. Criteria: Invitae Variant Classification Sherloc (09022015). Collection method: clinical testing. Allele origin: germline.
Comment: This sequence change replaces glutamine, which is neutral and polar, with histidine, which is basic and polar, at codon 100 of the RPS6KC1 protein (p.Gln100His). This variant is not present in population databases (gnomAD no frequency). This variant has not been reported in the literature in individuals affected with RPS6KC1-related conditions. An algorithm developed to predict the effect of missense changes on protein structure and function (PolyPhen-2) suggests that this variant is likely to be disruptive. In summary, the available evidence is currently insufficient to determine the role of this variant in disease. Therefore, it has been classified as a Variant of Uncertain Significance.